The following is an entry in ClinVar:

NM_018036.7(ATG2B):c.3643-4A>G

Gene: ATG2B (autophagy related 2B; minus strand). Cytogenetic location: 14q32.2.
Variant type: single nucleotide variant.
Coding change: c.3643-4A>G on transcript NM_018036.7 (MANE Select); 4 bases into the intron before coding-DNA position 3643, A replaced by G.
Molecular consequence: intron variant.
Genome position (GRCh38, 1-based): chr14:96,313,439, T>C on the plus strand (A>G on the coding strand, the complement: ATG2B is on the minus strand). VCF-style: chr14-96313439-T-C. GRCh37 (hg19) VCF-style: chr14-96779776-T-C.
Identifiers: ClinVar variation 4082500 (VCV004082500.2).
Genomic context (GRCh38, chr14:96,313,439, plus strand): 5'-AGTTGGAGGATTATATCCCAAAACAGGTTCATCAGCAATATTCAAGAAGTATAAAATCTA[T>C]AATCACAAAAAATTAAAACGCCCTGCTTTAGAAGAAAAAAAAGGTTTCATATAATATCCT-3'

ClinVar aggregate classification (germline): Uncertain significance (1 of 4 stars; one submission).

gnomAD v4.1: 28 of 1,508,092 alleles (0.0019%); highest among the groups gnomAD compares: Middle Eastern, 0.018%; no homozygotes.

Submission:

Genetic Services Laboratory, University of Chicago
Classification: Uncertain significance. Last evaluated: 2023-01-28. Review status: criteria provided, single submitter. Criteria: ACMG Guidelines, 2015. Collection method: clinical testing. Allele origin: germline. Affected: no.
Comment: DNA sequence analysis of the ATG2B gene demonstrated a sequence change in intron 23, c.3643-4A>G. This change does not appear to have been previously described in individuals with ADA2-related disorders. This sequence change has been described in the gnomAD database in 2 individuals which corresponds to a population frequency of 0.00085% (dbSNP rs769804683). This sequence change is not predicted to have a deleterious effect on splicing based on in-silico splice prediction programs. It is possible that this sequence change represents a benign sequence change in the ADA2 gene that has not been identified to date. The functional significance of this sequence change is not known at present and its contribution to this individual's disease phenotype cannot definitively be determined.